The following is an entry in ClinVar:

NM_152383.5(DIS3L2):c.930G>A (p.Glu310=)

Gene: DIS3L2 (DIS3 like 3'-5' exoribonuclease 2; plus strand). Cytogenetic location: 2q37.1.
Variant type: single nucleotide variant.
Coding change: c.930G>A on transcript NM_152383.5 (MANE Select); coding-DNA position 930, G replaced by A.
Protein change: p.Glu310=; no amino-acid change (glutamic acid 310 retained).
Molecular consequence: synonymous variant. On other transcripts: non-coding transcript variant (1).
Genome position (GRCh38, 1-based): chr2:232,136,699, G>A. VCF-style: chr2-232136699-G-A. GRCh37 (hg19) VCF-style: chr2-233001409-G-A.
Other names: c.930G>A, p.Glu310= (NM_001257281.2).
Identifiers: ClinVar variation 1131431 (VCV001131431.17), dbSNP rs1698368717, ClinGen allele CA431909428.

ClinVar aggregate classification (germline): Likely benign. Review status: criteria provided, multiple submitters, no conflicts (2 of 4 stars). 2 submissions from 2 submitters: Likely benign (2). Last evaluated 2025-08-01.

Conditions:
Perlman syndrome (PRLMNS). Identifiers: Orphanet 2849, MedGen C0796113, MONDO:0009965, OMIM 267000.

Allele frequency attached by ClinVar (database versions not stated): gnomAD exomes below 0.00001.
gnomAD v4.1: 4 of 1,613,866 alleles (0.00025%); highest among the groups gnomAD compares: Non-Finnish European, 0.00034%; no homozygotes.

Submissions (2):

CeGaT Center for Human Genetics Tuebingen
Classification: Likely benign. Last evaluated: 2025-08-01. Review status: criteria provided, single submitter. Criteria: CeGaT Center For Human Genetics Tuebingen Variant Classification Criteria Version 2. Collection method: clinical testing. Allele origin: germline. Affected: yes. Observed: 1 variant allele.
Comment: DIS3L2: BP4, BP7

Labcorp Genetics (formerly Invitae), Labcorp
Classification: Likely benign for Perlman syndrome. Last evaluated: 2022-03-07. Review status: criteria provided, single submitter. Criteria: Invitae Variant Classification Sherloc (09022015). Collection method: clinical testing. Allele origin: germline.